The following is an entry in ClinVar:

NM_006420.3(ARFGEF2):c.3638C>A (p.Ser1213Tyr)

Gene: ARFGEF2 (ARF guanine nucleotide exchange factor 2; plus strand). Cytogenetic location: 20q13.13.
Variant type: single nucleotide variant.
Coding change: c.3638C>A on transcript NM_006420.3 (MANE Select); coding-DNA position 3638, C replaced by A.
Protein change: p.Ser1213Tyr; replaces serine 1213 with tyrosine.
Molecular consequence: missense variant.
Genome position (GRCh38, 1-based): chr20:49,010,285, C>A. VCF-style: chr20-49010285-C-A. GRCh37 (hg19) VCF-style: chr20-47626822-C-A.
Other names: c.3635C>A, p.Ser1212Tyr (NM_001410846.1); short protein forms S1212Y, S1213Y.
Identifiers: ClinVar variation 4992598 (VCV004992598.1).

ClinVar aggregate classification (germline): Uncertain significance (1 of 4 stars; one submission).

Conditions:
ARFGEF2-related disorder. Also called: ARFGEF2-related condition.

gnomAD v4.1: 1 of 1,614,120 alleles (0.000062%); highest among the groups gnomAD compares: African/African-American, 0.0013%; no homozygotes.

Submission:

PreventionGenetics, part of Exact Sciences
Classification: Uncertain significance for ARFGEF2-related condition. Last evaluated: 2025-10-06. Review status: criteria provided, single submitter. Criteria: ACMG Guidelines, 2015. Collection method: clinical testing. Allele origin: germline.
Comment: The ARFGEF2 c.3638C>A variant is predicted to result in the amino acid substitution p.Ser1213Tyr. To our knowledge, this variant has not been reported in the literature or in a large population database (gnomAD), indicating this variant is rare. At this time, the clinical significance of this variant is uncertain due to the absence of conclusive functional and genetic evidence.